The following is an entry in ClinVar:

ClinVar aggregate classification (germline): Uncertain significance. Review status: criteria provided, multiple submitters, no conflicts (2 of 4 stars). 2 submissions from 2 submitters: Uncertain significance (2). Last evaluated 2024-07-27.

Conditions:
Hereditary cancer-predisposing syndrome. Also called: Tumor predisposition; Hereditary neoplastic syndrome; Hereditary Cancer Syndrome; Neoplastic Syndromes, Hereditary. Identifiers: Orphanet 140162, MedGen C0027672, MeSH D009386, MONDO:0015356.
Gastrointestinal stromal tumor. Also called: Gastrointestinal stroma tumor; Gastrointestinal stromal tumor, somatic. Identifiers: Orphanet 44890, MedGen C0238198, MeSH D046152, MONDO:0011719, OMIM 606764, HP:0100723.

Submissions (2):

Ambry Genetics
Classification: Uncertain significance for Hereditary cancer-predisposing syndrome. Last evaluated: 2024-07-27. Review status: criteria provided, single submitter. Criteria: Ambry Variant Classification Scheme 2023. Collection method: clinical testing. Allele origin: germline.
Comment: The p.H425Q variant (also known as c.1275T>G), located in coding exon 8 of the PDGFRA gene, results from a T to G substitution at nucleotide position 1275. The histidine at codon 425 is replaced by glutamine, an amino acid with highly similar properties. This amino acid position is conserved. In addition, this alteration is predicted to be tolerated by in silico analysis. Based on the available evidence, the clinical significance of this variant remains unclear.

Labcorp Genetics (formerly Invitae), Labcorp
Classification: Uncertain significance for Gastrointestinal stromal tumor. Last evaluated: 2022-04-23. Review status: criteria provided, single submitter. Criteria: Invitae Variant Classification Sherloc (09022015). Collection method: clinical testing. Allele origin: germline.
Comment: This sequence change replaces histidine, which is basic and polar, with glutamine, which is neutral and polar, at codon 425 of the PDGFRA protein (p.His425Gln). This variant is not present in population databases (gnomAD no frequency). This variant has not been reported in the literature in individuals affected with PDGFRA-related conditions. ClinVar contains an entry for this variant (Variation ID: 528619). Algorithms developed to predict the effect of missense changes on protein structure and function (SIFT, PolyPhen-2, Align-GVGD) all suggest that this variant is likely to be tolerated. Algorithms developed to predict the effect of sequence changes on RNA splicing suggest that this variant may create or strengthen a splice site. In summary, the available evidence is currently insufficient to determine the role of this variant in disease. Therefore, it has been classified as a Variant of Uncertain Significance.

NM_006206.6(PDGFRA):c.1275T>G (p.His425Gln)

Gene: PDGFRA (platelet derived growth factor receptor alpha; plus strand). Cytogenetic location: 4q12.
Variant type: single nucleotide variant.
Coding change: c.1275T>G on transcript NM_006206.6 (MANE Select); coding-DNA position 1275, T replaced by G.
Protein change: p.His425Gln; replaces histidine 425 with glutamine.
Molecular consequence: missense variant.
Genome position (GRCh38, 1-based): chr4:54,272,431, T>G. VCF-style: chr4-54272431-T-G. GRCh37 (hg19) VCF-style: chr4-55138598-T-G.
Other names: c.1275T>G, p.His425Gln (NM_001347827.2, NM_001347829.2); c.1350T>G, p.His450Gln (NM_001347828.2); c.1314T>G, p.His438Gln (NM_001347830.2); short protein forms H425Q, H450Q, H438Q.
Identifiers: ClinVar variation 528619 (VCV000528619.10), dbSNP rs1553904015, ClinGen allele CA356892215.
Genomic context (GRCh38, chr4:54,272,431, plus strand): 5'-TGACTTCTTTCTGCCTCTTGCAGTTCCTTCATCCATTCTGGACTTGGTCGATGATCACCA[T>G]GGCTCAACTGGGGGACAGACGGTGAGGTGCACAGCTGAAGGCACGCCGCTTCCTGATATT-3'
Protein context (NP_006197.1, residues 415-435): SSILDLVDDH[His425Gln]GSTGGQTVRC